The following is an entry in ClinVar:

ClinVar aggregate classification (germline): Uncertain significance. Review status: criteria provided, multiple submitters, no conflicts (2 of 4 stars). 2 submissions from 2 submitters: Uncertain significance (2). Last evaluated 2023-12-05.

Conditions:
Arrhythmogenic right ventricular dysplasia 11. Also called: ARRHYTHMOGENIC RIGHT VENTRICULAR DYSPLASIA, FAMILIAL, 11; Arrhythmogenic Right Ventricular Dysplasia/Cardiomyopathy11; Arrhythmogenic right ventricular dysplasia 11 with mild palmoplantar keratoderma and woolly hair. Identifiers: MedGen C1864850, MONDO:0012506, OMIM 610476.
Cardiomyopathy (CMYO). Also called: Cardiomyopathies. Identifiers: Orphanet 167848, MedGen C0878544, MONDO:0004994, HP:0001638. Inheritance: Various modes of inheritance.

gnomAD v4.1: 1 of 1,613,942 alleles (0.000062%); highest among the groups gnomAD compares: Non-Finnish European, 0.000085%; no homozygotes.

Submissions (2):

Color Diagnostics, LLC DBA Color Health
Classification: Uncertain significance for Cardiomyopathy. Last evaluated: 2023-12-05. Review status: criteria provided, single submitter. Criteria: ACMG Guidelines, 2015. Collection method: clinical testing. Allele origin: germline.
Comment: Variant of Uncertain Significance due to insufficient evidence: This missense variant replaces threonine with alanine at codon 515 of the DSC2 protein. Computational prediction tools and conservation analyses suggest that this variant may not impact the protein function. Computational splicing tools suggest that this variant may not impact RNA splicing. To our knowledge, functional assays have not been performed for this variant nor has this variant been reported in individuals affected with cardiovascular disorders in the literature. This variant has not been identified in the general population by the Genome Aggregation Database (gnomAD). Available evidence is insufficient to determine the role of this variant in disease conclusively.

Labcorp Genetics (formerly Invitae), Labcorp
Classification: Uncertain significance for Arrhythmogenic right ventricular dysplasia 11. Last evaluated: 2023-08-19. Review status: criteria provided, single submitter. Criteria: Invitae Variant Classification Sherloc (09022015). Collection method: clinical testing. Allele origin: germline.
Comment: ClinVar contains an entry for this variant (Variation ID: 922668). In summary, the available evidence is currently insufficient to determine the role of this variant in disease. Therefore, it has been classified as a Variant of Uncertain Significance. Advanced modeling of protein sequence and biophysical properties (such as structural, functional, and spatial information, amino acid conservation, physicochemical variation, residue mobility, and thermodynamic stability) performed at Invitae indicates that this missense variant is not expected to disrupt DSC2 protein function. This variant has not been reported in the literature in individuals affected with DSC2-related conditions. This variant is not present in population databases (gnomAD no frequency). This sequence change replaces threonine, which is neutral and polar, with alanine, which is neutral and non-polar, at codon 515 of the DSC2 protein (p.Thr515Ala).

NM_024422.6(DSC2):c.1543A>G (p.Thr515Ala)

Gene: DSC2 (desmocollin 2; minus strand). Cytogenetic location: 18q12.1.
Variant type: single nucleotide variant.
Coding change: c.1543A>G on transcript NM_024422.6 (MANE Select); coding-DNA position 1543, A replaced by G.
Protein change: p.Thr515Ala; replaces threonine 515 with alanine.
Molecular consequence: missense variant.
Genome position (GRCh38, 1-based): chr18:31,079,967, T>C on the plus strand (A>G on the coding strand, the complement: DSC2 is on the minus strand). VCF-style: chr18-31079967-T-C. GRCh37 (hg19) VCF-style: chr18-28659933-T-C.
Other names: c.1543A>G, p.Thr515Ala (NM_004949.5); short protein forms T515A.
Identifiers: ClinVar variation 922668 (VCV000922668.8), dbSNP rs771406828, ClinGen allele CA402108224.